The following is an entry in ClinVar:

NM_198428.3(BBS9):c.1110C>T (p.Asn370=)

Gene: BBS9 (Bardet-Biedl syndrome 9; plus strand). Cytogenetic location: 7p14.3.
Variant type: single nucleotide variant.
Coding change: c.1110C>T on transcript NM_198428.3 (MANE Select); coding-DNA position 1110, C replaced by T.
Protein change: p.Asn370=; no amino-acid change (asparagine 370 retained).
Molecular consequence: synonymous variant. On other transcripts: non-coding transcript variant (3).
Genome position (GRCh38, 1-based): chr7:33,336,534, C>T. VCF-style: chr7-33336534-C-T. GRCh37 (hg19) VCF-style: chr7-33376146-C-T.
Other names: c.1110C>T, p.Asn370= (NM_001033604.2, NM_001033605.2, NM_001348036.1 and 5 more transcripts); c.744C>T, p.Asn248= (NM_001348037.3, NM_001348044.3, NM_001348045.3 and 1 more transcripts); c.837C>T, p.Asn279= (NM_001348038.3, NM_001348039.3); c.975C>T, p.Asn325= (NM_001348042.3).
Identifiers: ClinVar variation 263113 (VCV000263113.23), dbSNP rs61753524, ClinGen allele CA4214189.
Genomic context (GRCh38, chr7:33,336,534, plus strand): 5'-TGATGGTCACTTGCAGTGTTCATACCTGGGGACAGATCCTTCTCTGTTCCAAGCTCCAAA[C>T]GTTCAATCTCGAGAACTAAACTATGATGAACTTGATGTAGAAATGAAAGAACTTCAGAAA-3'
Protein context (NP_940820.1, residues 360-380): GTDPSLFQAP[Asn370=]VQSRELNYDE

ClinVar aggregate classification (germline): Benign/Likely benign. Review status: criteria provided, multiple submitters, no conflicts (2 of 4 stars). 6 submissions from 6 submitters: Benign (4); Likely benign (2). Last evaluated 2026-01-31.

Conditions:
Bardet-Biedl syndrome (BBS). Identifiers: Orphanet 110, MedGen C0752166, MONDO:0015229.
Bardet-Biedl syndrome 9 (BBS9). Identifiers: Orphanet 110, MedGen C1859567, MONDO:0014437, OMIM 615986.

Allele frequency attached by ClinVar (database versions not stated): gnomAD exomes 0.00053 and 0.00145; ExAC 0.00182; 1000 Genomes Project 30x 0.00500; gnomAD 0.00501 and 0.00539; 1000 Genomes Project 0.00539; TOPMed 0.00609; ESP Exome Variant Server 0.00654.
gnomAD v4.1: 1,561 of 1,613,156 alleles (0.097%); highest among the groups gnomAD compares: African/African-American, 1.8%; 11 homozygotes.

Submissions (6):

Labcorp Genetics (formerly Invitae), Labcorp
Classification: Benign for Bardet-Biedl syndrome. Last evaluated: 2026-01-31. Review status: criteria provided, single submitter. Criteria: Invitae Variant Classification Sherloc (09022015). Collection method: clinical testing. Allele origin: germline.

Blueprint Genetics
Classification: Likely benign. Last evaluated: 2024-08-08. Review status: criteria provided, single submitter. Criteria: ACMG Guidelines, 2015. Collection method: clinical testing. Allele origin: germline.

Fulgent Genetics
Classification: Likely benign for Bardet-Biedl syndrome 9. Last evaluated: 2021-07-23. Review status: criteria provided, single submitter. Criteria: ACMG Guidelines, 2015. Collection method: clinical testing. Allele origin: unknown.

Genetic Services Laboratory, University of Chicago
Classification: Benign. Last evaluated: 2019-08-26. Review status: criteria provided, single submitter. Criteria: ACMG Guidelines, 2015. Collection method: clinical testing. Allele origin: germline. Affected: no.

Illumina Laboratory Services, Illumina
Classification: Benign for Bardet-Biedl syndrome 9. Last evaluated: 2018-01-13. Review status: criteria provided, single submitter. Criteria: ICSL Variant Classification Criteria 13 December 2019. Collection method: clinical testing. Allele origin: germline.
Comment: This variant was observed in the ICSL laboratory as part of a predisposition screen in an ostensibly healthy population. It had not been previously curated by ICSL or reported in the Human Gene Mutation Database (HGMD: prior to June 1st, 2018), and was therefore a candidate for classification through an automated scoring system. Utilizing variant allele frequency, disease prevalence and penetrance estimates, and inheritance mode, an automated score was calculated to assess if this variant is too frequent to cause the disease. Based on the score and internal cut-off values, a variant classified as benign is not then subjected to further curation. The score for this variant resulted in a classification of benign for this disease.

PreventionGenetics, part of Exact Sciences
Classification: Benign. Review status: criteria provided, single submitter. Criteria: ACMG Guidelines, 2015. Collection method: clinical testing. Allele origin: germline.